The following is an entry in ClinVar:

ClinVar aggregate classification (germline): Uncertain significance (1 of 4 stars; one submission).

Conditions:
Neurodevelopmental disorder with seizures, spasticity, and complete or partial agenesis of the corpus callosum (NEDSSCC). Identifiers: MedGen C5830296, MONDO:0859516, OMIM 620250.

gnomAD v4.1: 5 of 1,605,684 alleles (0.00031%); highest among the groups gnomAD compares: African/African-American, 0.0013%; no homozygotes.

Submission:

Dasa
Classification: Uncertain significance for Neurodevelopmental disorder with seizures, spasticity, and complete or partial agenesis of the corpus callosum. Last evaluated: 2025-10-04. Review status: criteria provided, single submitter. Criteria: DASA Assertion Criteria. Collection method: clinical testing. Allele origin: germline.
Comment: NM_001388303.1(HECTD4):c.3070G>T (p.Val1024Leu) is a missense variant that results in the substitution of valine with leucine. This variant is rare in population databases. Computational prediction algorithms are consistent with a benign effect. The currently available literature and clinical evidence are not sufficient to establish a definitive association between this variant and the reported condition. Therefore, this variant is classified as a variant of uncertain significance.

NM_001388303.1(HECTD4):c.3070G>T (p.Val1024Leu)

Gene: HECTD4 (HECT domain E3 ubiquitin protein ligase 4; minus strand). Cytogenetic location: 12q24.13.
Variant type: single nucleotide variant.
Coding change: c.3070G>T on transcript NM_001388303.1 (MANE Select); coding-DNA position 3070, G replaced by T.
Protein change: p.Val1024Leu; replaces valine 1024 with leucine.
Molecular consequence: missense variant.
Genome position (GRCh38, 1-based): chr12:112,258,554, C>A on the plus strand (G>T on the coding strand, the complement: HECTD4 is on the minus strand). VCF-style: chr12-112258554-C-A. GRCh37 (hg19) VCF-style: chr12-112696358-C-A.
Other names: c.3070G>T, p.Val1024Leu (NM_001109662.4); short protein forms V1024L.
Identifiers: ClinVar variation 4882807 (VCV004882807.2).
Genomic context (GRCh38, chr12:112,258,554, plus strand): 5'-ACCTCTCATCAGGGAACAGCCTGCACTTCTGGTCTGGTGCACCACACGGGGAACAGCCCA[C>A]CTCAGCAAAAACCGGACACTGGGTTTTAAGCAGCAACGCCGTCTGAAACACAAAACCATC-3'
Protein context (NP_001375232.1, residues 1014-1034): LKTQCPVFAE[Val1024Leu]GCSPCGAPDQ